The following is an entry in ClinVar:

NM_004329.3(BMPR1A):c.-6T>C

Gene: BMPR1A (bone morphogenetic protein receptor type 1A; plus strand). Cytogenetic location: 10q23.2.
Variant type: single nucleotide variant.
Coding change: c.-6T>C on transcript NM_004329.3 (MANE Select); 6 bases upstream of the start codon, T replaced by C.
Molecular consequence: 5 prime UTR variant.
Genome position (GRCh38, 1-based): chr10:86,876,013, T>C. VCF-style: chr10-86876013-T-C. GRCh37 (hg19) VCF-style: chr10-88635770-T-C.
Identifiers: ClinVar variation 511690 (VCV000511690.15), dbSNP rs1047677696, ClinGen allele CA211238796.

ClinVar aggregate classification (germline): Conflicting classifications of pathogenicity. Review status: criteria provided, conflicting classifications (1 of 4 stars). 6 submissions from 6 submitters: Uncertain significance (3); Likely benign (3). Last evaluated 2025-05-21.

Conditions:
Juvenile polyposis syndrome (JPS). Identifiers: Orphanet 2929, MedGen C0345893, MONDO:0017380, OMIM 174900.
Hereditary cancer-predisposing syndrome. Also called: Hereditary Cancer Syndrome; Tumor predisposition; Neoplastic Syndromes, Hereditary; Hereditary neoplastic syndrome. Identifiers: Orphanet 140162, MedGen C0027672, MeSH D009386, MONDO:0015356.

Allele frequency attached by ClinVar (database versions not stated): gnomAD 0.00001; TOPMed 0.00003.
gnomAD v4.1: 1 of 1,602,956 alleles (0.000062%); highest among the groups gnomAD compares: Admixed American, 0.0017%; no homozygotes.

Submissions (6):

Catlab - Consorci Sanitari de Terrassa
Classification: Uncertain significance for Hereditary cancer-predisposing syndrome. Last evaluated: 2025-05-21. Review status: criteria provided, single submitter. Criteria: ACMG Guidelines, 2015. Collection method: clinical testing. Allele origin: germline.
Comment: Based on the currently available information, this variant is classified as Variant of Uncertain Significance according to ACMG Richards 2015 guidelines. ACMG criteria: PM2_supp, BP7.

All of Us Research Program, National Institutes of Health
Classification: Likely benign for Juvenile polyposis syndrome. Last evaluated: 2024-09-23. Review status: criteria provided, single submitter. Criteria: ACMG Guidelines, 2015. Collection method: clinical testing. Allele origin: germline. Inheritance: Autosomal dominant inheritance. Observed: 5 variant alleles, 5 heterozygotes.
Comment: This study involves interpretation of variants in research participants for the purpose of population health screening. Participant phenotype was not available at the time of variant classification. Additional details can be found in publication PMID: 35346344, PMCID: PMC8962531

Color Diagnostics, LLC DBA Color Health
Classification: Likely benign for Hereditary cancer-predisposing syndrome. Last evaluated: 2024-04-11. Review status: criteria provided, single submitter. Criteria: ACMG Guidelines, 2015. Collection method: clinical testing. Allele origin: germline.

GeneDx
Classification: Likely benign. Last evaluated: 2022-12-19. Review status: criteria provided, single submitter. Criteria: GeneDx Variant Classification Process June 2021. Collection method: clinical testing. Allele origin: germline. Affected: yes.
Comment: See Variant Classification Assertion Criteria.

Quest Diagnostics Nichols Institute San Juan Capistrano
Classification: Uncertain significance. Last evaluated: 2018-03-09. Review status: criteria provided, single submitter. Criteria: Quest Diagnostics criteria. Collection method: clinical testing. Allele origin: germline.

Women's Health and Genetics/Laboratory Corporation of America, LabCorp
Classification: Uncertain significance. Last evaluated: 2017-11-09. Review status: criteria provided, single submitter. Criteria: LabCorp Variant Classification Summary - May 2015. Collection method: clinical testing. Allele origin: germline.
Comment: Variant summary: The BMPR1A c.-6T>C variant located in the 5' UTR involves the alteration of a non-conserved nucleotide. This variant is absent in 246102 control chromosomes (gnomAD). The variant of interest has not, to our knowledge, been reported in affected individuals via publications and/or reputable databases/clinical diagnostic laboratories; nor evaluated for functional impact by in vivo/vitro studies. Because of the absence of clinical information and the lack of functional studies, the variant is classified as a "Variant of Uncertain Significance (VUS)," until additional information becomes available.